The following is an entry in ClinVar:

NM_032119.4(ADGRV1):c.8852T>G (p.Ile2951Ser)

Gene: ADGRV1 (adhesion G protein-coupled receptor V1; plus strand). Cytogenetic location: 5q14.3.
Variant type: single nucleotide variant.
Coding change: c.8852T>G on transcript NM_032119.4 (MANE Select); coding-DNA position 8852, T replaced by G.
Protein change: p.Ile2951Ser; replaces isoleucine 2951 with serine.
Molecular consequence: missense variant. On other transcripts: non-coding transcript variant (1).
Genome position (GRCh38, 1-based): chr5:90,711,008, T>G. VCF-style: chr5-90711008-T-G. GRCh37 (hg19) VCF-style: chr5-90006825-T-G.
Other names: short protein forms I2951S.
Identifiers: ClinVar variation 2043833 (VCV002043833.4), dbSNP rs1334344612, ClinGen allele CA360395259.
Genomic context (GRCh38, chr5:90,711,008, plus strand): 5'-TGTATTTTAAGATATGCTTCTATGTTTTTTAAGATTCAGAAGGTTTGACTGCACAAGTTA[T>G]TATTGATGCCAATGATGGGGCCCGAGGTGTAATTGAATGGCAACAAAGCAGGTAAGGCCA-3'
Protein context (NP_115495.3, residues 2941-2961): LDSEGLTAQV[Ile2951Ser]IDANDGARGV

ClinVar aggregate classification (germline): Uncertain significance (1 of 4 stars; one submission).

Allele frequency attached by ClinVar (database versions not stated): gnomAD exomes below 0.00001; gnomAD 0.00001.
gnomAD v4.1: 4 of 1,610,904 alleles (0.00025%); highest among the groups gnomAD compares: African/African-American, 0.0053%; no homozygotes.

Submission:

Labcorp Genetics (formerly Invitae), Labcorp
Classification: Uncertain significance. Last evaluated: 2021-12-15. Review status: criteria provided, single submitter. Criteria: Invitae Variant Classification Sherloc (09022015). Collection method: clinical testing. Allele origin: germline.
Comment: This sequence change replaces isoleucine, which is neutral and non-polar, with serine, which is neutral and polar, at codon 2951 of the ADGRV1 protein (p.Ile2951Ser). This variant is present in population databases (no rsID available, gnomAD 0.01%). This variant has not been reported in the literature in individuals affected with ADGRV1-related conditions. Algorithms developed to predict the effect of missense changes on protein structure and function are either unavailable or do not agree on the potential impact of this missense change (SIFT: "Deleterious"; PolyPhen-2: "Benign"; Align-GVGD: "Class C0"). In summary, the available evidence is currently insufficient to determine the role of this variant in disease. Therefore, it has been classified as a Variant of Uncertain Significance.